The following is an entry in ClinVar:

NM_001080414.4(CCDC88C):c.3527C>T (p.Thr1176Met)

Gene: CCDC88C (coiled-coil and HOOK domain protein 88C; minus strand). Cytogenetic location: 14q32.11.
Variant type: single nucleotide variant.
Coding change: c.3527C>T on transcript NM_001080414.4 (MANE Select); coding-DNA position 3527, C replaced by T.
Protein change: p.Thr1176Met; replaces threonine 1176 with methionine.
Molecular consequence: missense variant.
Genome position (GRCh38, 1-based): chr14:91,303,809, G>A on the plus strand (C>T on the coding strand, the complement: CCDC88C is on the minus strand). VCF-style: chr14-91303809-G-A. GRCh37 (hg19) VCF-style: chr14-91770153-G-A.
Other names: c.3527C>T (NM_001080414.3); short protein forms T1176M.
Identifiers: ClinVar variation 2720066 (VCV002720066.5), dbSNP rs200901253, ClinGen allele CA7309310.

ClinVar aggregate classification (germline): Likely benign. Review status: criteria provided, multiple submitters, no conflicts (2 of 4 stars). 3 submissions from 3 submitters: Likely benign (3). Last evaluated 2026-05-07.

Conditions:
CCDC88C-related disorder. Also called: CCDC88C-related condition; CCDC88C-Related Disorders.
Inborn genetic diseases. Identifiers: MedGen C0950123, MeSH D030342.

Allele frequency attached by ClinVar (database versions not stated): gnomAD exomes 0.00006; ExAC 0.00017; ESP Exome Variant Server 0.00039; gnomAD 0.00049; TOPMed 0.00062; 1000 Genomes Project 0.00080; 1000 Genomes Project 30x 0.00094.
gnomAD v4.1: 168 of 1,613,320 alleles (0.01%); highest among the groups gnomAD compares: African/African-American, 0.21%; 1 homozygote.

Submissions (3):

PreventionGenetics, part of Exact Sciences
Classification: Likely benign for CCDC88C-related condition. Last evaluated: 2026-05-07. Review status: criteria provided, single submitter. Criteria: ACMG Guidelines, 2015. Collection method: clinical testing. Allele origin: germline.
Comment: This variant is classified as likely benign based on ACMG/AMP sequence variant interpretation guidelines (Richards et al. 2015 PMID: 25741868, with internal and published modifications).

Labcorp Genetics (formerly Invitae), Labcorp
Classification: Likely benign. Last evaluated: 2026-01-26. Review status: criteria provided, single submitter. Criteria: Invitae Variant Classification Sherloc (09022015). Collection method: clinical testing. Allele origin: germline.

Ambry Genetics
Classification: Likely benign for Inborn genetic diseases. Last evaluated: 2025-06-07. Review status: criteria provided, single submitter. Criteria: Ambry Variant Classification Scheme 2023. Collection method: clinical testing. Allele origin: germline.